The following is an entry in ClinVar:

ClinVar aggregate classification (germline): Uncertain significance. Review status: criteria provided, multiple submitters, no conflicts (2 of 4 stars). 3 submissions from 3 submitters: Uncertain significance (3). Last evaluated 2024-12-13.

Conditions:
CDHR1-related disorder. Also called: CDHR1-related condition.

Allele frequency attached by ClinVar (database versions not stated): ExAC 0.00001; gnomAD exomes 0.00001; TOPMed 0.00004; gnomAD 0.00005.
gnomAD v4.1: 21 of 1,614,080 alleles (0.0013%); highest among the groups gnomAD compares: Admixed American, 0.012%; no homozygotes.

Submissions (3):

PreventionGenetics, part of Exact Sciences
Classification: Uncertain significance for CDHR1-related condition. Last evaluated: 2024-12-13. Review status: criteria provided, single submitter. Criteria: ACMG Guidelines, 2015. Collection method: clinical testing. Allele origin: germline.
Comment: The CDHR1 c.1397A>G variant is predicted to result in the amino acid substitution p.Asn466Ser. To our knowledge, this variant has not been reported in individuals with CDHR1-related disease. This variant is reported in 0.0029% of alleles in individuals of Latino descent in gnomAD. At this time, the clinical significance of this variant is uncertain due to the absence of conclusive functional and genetic evidence.

Labcorp Genetics (formerly Invitae), Labcorp
Classification: Uncertain significance. Last evaluated: 2024-02-23. Review status: criteria provided, single submitter. Criteria: Invitae Variant Classification Sherloc (09022015). Collection method: clinical testing. Allele origin: germline.
Comment: This sequence change replaces asparagine, which is neutral and polar, with serine, which is neutral and polar, at codon 466 of the CDHR1 protein (p.Asn466Ser). This variant is present in population databases (rs753370621, gnomAD 0.003%). This variant has not been reported in the literature in individuals affected with CDHR1-related conditions. ClinVar contains an entry for this variant (Variation ID: 2189453). Advanced modeling of protein sequence and biophysical properties (such as structural, functional, and spatial information, amino acid conservation, physicochemical variation, residue mobility, and thermodynamic stability) performed at Invitae indicates that this missense variant is expected to disrupt CDHR1 protein function with a positive predictive value of 80%. In summary, the available evidence is currently insufficient to determine the role of this variant in disease. Therefore, it has been classified as a Variant of Uncertain Significance.

Blueprint Genetics
Classification: Uncertain significance. Last evaluated: 2021-10-18. Review status: criteria provided, single submitter. Criteria: ACMG Guidelines, 2015. Collection method: clinical testing. Allele origin: germline.

NM_033100.4(CDHR1):c.1397A>G (p.Asn466Ser)

Gene: CDHR1 (cadherin related family member 1; plus strand). Cytogenetic location: 10q23.1.
Variant type: single nucleotide variant.
Coding change: c.1397A>G on transcript NM_033100.4 (MANE Select); coding-DNA position 1397, A replaced by G.
Protein change: p.Asn466Ser; replaces asparagine 466 with serine.
Molecular consequence: missense variant.
Genome position (GRCh38, 1-based): chr10:84,211,077, A>G. VCF-style: chr10-84211077-A-G. GRCh37 (hg19) VCF-style: chr10-85970833-A-G.
Other names: c.1397A>G, p.Asn466Ser (NM_001171971.3); c.1397A>G (NM_033100.3); short protein forms N466S.
Identifiers: ClinVar variation 2189453 (VCV002189453.6), dbSNP rs753370621, ClinGen allele CA5579926.